The following is an entry in ClinVar:

NM_006158.5(NEFL):c.84C>T (p.Ser28=)

Gene: NEFL (neurofilament light chain; minus strand). Cytogenetic location: 8p21.2.
Variant type: single nucleotide variant.
Coding change: c.84C>T on transcript NM_006158.5 (MANE Select); coding-DNA position 84, C replaced by T.
Protein change: p.Ser28=; no amino-acid change (serine 28 retained).
Molecular consequence: synonymous variant.
Genome position (GRCh38, 1-based): chr8:24,956,432, G>A on the plus strand (C>T on the coding strand, the complement: NEFL is on the minus strand). VCF-style: chr8-24956432-G-A. GRCh37 (hg19) VCF-style: chr8-24813946-G-A.
Identifiers: ClinVar variation 3050755 (VCV003050755.2), dbSNP rs2486888466, ClinGen allele CA460020815.
Genomic context (GRCh38, chr8:24,956,432, plus strand): 5'-AGACACCGGCGCCGAGTAGCTGGAGTAAGCTGAGCGTGCGGTGCTGTAGCCGCTGCGCAC[G>A]CTGGAGATGTGCACCCGGGGCGTCTCCACGTAGCGCCGCTTGTAGGAGGTCGAGTAGTAC-3'
Protein context (NP_006149.2, residues 18-38): YVETPRVHIS[Ser28=]VRSGYSTARS

ClinVar aggregate classification (germline): Likely benign (0 of 4 stars; one submission).

Conditions:
NEFL-related disorder. Also called: NEFL-related condition.

Allele frequency attached by ClinVar (database versions not stated): gnomAD exomes below 0.00001.
gnomAD v4.1: 1 of 1,603,526 alleles (0.000062%); highest among the groups gnomAD compares: Non-Finnish European, 0.000085%; no homozygotes.

Submission:

PreventionGenetics, part of Exact Sciences
Classification: Likely benign for NEFL-related condition. Last evaluated: 2022-11-17. Review status: no assertion criteria provided. Collection method: clinical testing. Allele origin: germline.
Comment: This variant is classified as likely benign based on ACMG/AMP sequence variant interpretation guidelines (Richards et al. 2015 PMID: 25741868, with internal and published modifications).